The following is an entry in ClinVar:

NM_033026.6(PCLO):c.1075A>G (p.Thr359Ala)

Gene: PCLO (piccolo presynaptic cytomatrix protein; minus strand). Cytogenetic location: 7q21.11.
Variant type: single nucleotide variant.
Coding change: c.1075A>G on transcript NM_033026.6 (MANE Select); coding-DNA position 1075, A replaced by G.
Protein change: p.Thr359Ala; replaces threonine 359 with alanine.
Molecular consequence: missense variant.
Genome position (GRCh38, 1-based): chr7:83,155,566, T>C on the plus strand (A>G on the coding strand, the complement: PCLO is on the minus strand). VCF-style: chr7-83155566-T-C. GRCh37 (hg19) VCF-style: chr7-82784882-T-C.
Other names: c.1075A>G, p.Thr359Ala (NM_014510.3); short protein forms T359A.
Identifiers: ClinVar variation 1974601 (VCV001974601.5), dbSNP rs770727758, ClinGen allele CA4321533.
Genomic context (GRCh38, chr7:83,155,566, plus strand): 5'-CTGACCCAGTCTGCTGAGCTGGAGGCTTAGCAGGACCAAGAGGCTGAGCTGGAGGCTTTG[T>C]TGTCCCTGGTGGCTGGACTGGGGGTTTCACTGTCCCTGGTTGTTGAGCCAATGGCTTTGT-3'
Protein context (NP_149015.2, residues 349-369): VKPPVQPPGT[Thr359Ala]KPPAQPLGPA

ClinVar aggregate classification (germline): Uncertain significance (1 of 4 stars; one submission).

Allele frequency attached by ClinVar (database versions not stated): ExAC 0.00007.

Submission:

Labcorp Genetics (formerly Invitae), Labcorp
Classification: Uncertain significance. Last evaluated: 2022-01-28. Review status: criteria provided, single submitter. Criteria: Invitae Variant Classification Sherloc (09022015). Collection method: clinical testing. Allele origin: germline.
Comment: The frequency data for this variant in the population databases is considered unreliable, as metrics indicate poor data quality at this position in the gnomAD database. This sequence change replaces threonine, which is neutral and polar, with alanine, which is neutral and non-polar, at codon 359 of the PCLO protein (p.Thr359Ala). This variant has not been reported in the literature in individuals affected with PCLO-related conditions. In summary, the available evidence is currently insufficient to determine the role of this variant in disease. Therefore, it has been classified as a Variant of Uncertain Significance. Algorithms developed to predict the effect of missense changes on protein structure and function output the following: SIFT: "Tolerated"; PolyPhen-2: "Not Available"; Align-GVGD: "Class C0". The alanine amino acid residue is found in multiple mammalian species, which suggests that this missense change does not adversely affect protein function.